The following is an entry in ClinVar:

NM_001352514.2(HLCS):c.1150C>A (p.Leu384Ile)

Gene: HLCS (holocarboxylase synthetase; minus strand). Cytogenetic location: 21q22.13.
Variant type: single nucleotide variant.
Coding change: c.1150C>A on transcript NM_001352514.2 (MANE Select); coding-DNA position 1150, C replaced by A.
Protein change: p.Leu384Ile; replaces leucine 384 with isoleucine.
Molecular consequence: missense variant. On other transcripts: non-coding transcript variant (2).
Genome position (GRCh38, 1-based): chr21:36,936,736, G>T on the plus strand (C>A on the coding strand, the complement: HLCS is on the minus strand). VCF-style: chr21-36936736-G-T. GRCh37 (hg19) VCF-style: chr21-38309036-G-T.
Other names: c.709C>A, p.Leu237Ile (NM_000411.8, NM_001242784.3, NM_001242785.2 and 4 more transcripts); short protein forms L384I, L237I.
Identifiers: ClinVar variation 1430113 (VCV001430113.7), dbSNP rs538157231, ClinGen allele CA409912463.

ClinVar aggregate classification (germline): Uncertain significance. Review status: criteria provided, multiple submitters, no conflicts (2 of 4 stars). 2 submissions from 2 submitters: Uncertain significance (2). Last evaluated 2025-06-23.

Conditions:
Holocarboxylase synthetase deficiency. Also called: MULTIPLE CARBOXYLASE DEFICIENCY, EARLY ONSET. Identifiers: Orphanet 79242, MedGen C0268581, MONDO:0009666, OMIM 253270.

gnomAD v4.1: 3 of 1,614,254 alleles (0.00019%); highest among the groups gnomAD compares: Non-Finnish European, 0.00025%; no homozygotes.

Submissions (2):

Women's Health and Genetics/Laboratory Corporation of America, LabCorp
Classification: Uncertain significance. Last evaluated: 2025-06-23. Review status: criteria provided, single submitter. Criteria: LabCorp Variant Classification Summary - May 2015. Collection method: clinical testing. Allele origin: germline.
Comment: Variant summary: HLCS c.709C>A (p.Leu237Ile) results in a conservative amino acid change in the encoded protein sequence. Algorithms developed to predict the effect of missense changes on protein structure and function are either unavailable or do not agree on the potential impact of this missense change. The variant was absent in 251258 control chromosomes. The available data on variant occurrences in the general population are insufficient to allow any conclusion about variant significance. To our knowledge, no occurrence of c.709C>A in individuals affected with Holocarboxylase Synthetase Deficiency and no experimental evidence demonstrating its impact on protein function have been reported. A different variant affecting the same codon has been classified as likely pathogenic/pathogenic by our lab (c.710T>C, p.Leu237Pro), supporting the critical relevance of codon 237 to HLCS protein function. ClinVar contains an entry for this variant (Variation ID: 1430113). Based on the evidence outlined above, the variant was classified as uncertain significance.

Labcorp Genetics (formerly Invitae), Labcorp
Classification: Uncertain significance for Holocarboxylase synthetase deficiency. Last evaluated: 2022-07-19. Review status: criteria provided, single submitter. Criteria: Invitae Variant Classification Sherloc (09022015). Collection method: clinical testing. Allele origin: germline.
Comment: ClinVar contains an entry for this variant (Variation ID: 1430113). In summary, the available evidence is currently insufficient to determine the role of this variant in disease. Therefore, it has been classified as a Variant of Uncertain Significance. This variant disrupts the p.Leu237 amino acid residue in HLCS. Other variant(s) that disrupt this residue have been determined to be pathogenic (PMID: 7842009, 8541348, 21894551). This suggests that this residue is clinically significant, and that variants that disrupt this residue are likely to be disease-causing. Algorithms developed to predict the effect of missense changes on protein structure and function are either unavailable or do not agree on the potential impact of this missense change (SIFT: "Tolerated"; PolyPhen-2: "Probably Damaging"; Align-GVGD: "Class C0"). This variant has not been reported in the literature in individuals affected with HLCS-related conditions. This variant is not present in population databases (gnomAD no frequency). This sequence change replaces leucine, which is neutral and non-polar, with isoleucine, which is neutral and non-polar, at codon 237 of the HLCS protein (p.Leu237Ile).

Literature cited by the submitters: PubMed 7842009 (cited by Labcorp Genetics (formerly Invitae), Labcorp); PubMed 8541348 (cited by Labcorp Genetics (formerly Invitae), Labcorp); PubMed 21894551 (cited by Labcorp Genetics (formerly Invitae), Labcorp).